The following is an entry in ClinVar:

ClinVar aggregate classification (germline): Uncertain significance (1 of 4 stars; one submission).

Conditions:
Hereditary cancer-predisposing syndrome. Also called: Neoplastic Syndromes, Hereditary; Tumor predisposition; Hereditary Cancer Syndrome; Hereditary neoplastic syndrome. Identifiers: Orphanet 140162, MedGen C0027672, MeSH D009386, MONDO:0015356.

Submission:

Ambry Genetics
Classification: Uncertain significance for Hereditary cancer-predisposing syndrome. Last evaluated: 2024-07-02. Review status: criteria provided, single submitter. Criteria: Ambry Variant Classification Scheme 2023. Collection method: clinical testing. Allele origin: germline.
Comment: The p.G470R variant (also known as c.1408G>C), located in coding exon 10 of the APC gene, results from a G to C substitution at nucleotide position 1408. The amino acid change results in glycine to arginine at codon 470, an amino acid with dissimilar properties. However, this change occurs in the last base pair of coding exon 10 and may have some effect on normal mRNA splicing. This nucleotide position is highly conserved in available vertebrate species. In silico splice site analysis predicts that this alteration will not have any significant effect on splicing. This amino acid position is highly conserved in available vertebrate species. In addition, in silico predictors for this gene do not accurately predict pathogenicity. Based on the available evidence, the clinical significance of this variant remains unclear.

NM_000038.6(APC):c.1408G>C (p.Gly470Arg)

Gene: APC (APC regulator of Wnt signaling pathway; plus strand). Cytogenetic location: 5q22.2.
Variant type: single nucleotide variant.
Coding change: c.1408G>C on transcript NM_000038.6 (MANE Select); coding-DNA position 1408, G replaced by C.
Protein change: p.Gly470Arg; replaces glycine 470 with arginine.
Molecular consequence: missense variant. On other transcripts: non-coding transcript variant (2).
Genome position (GRCh38, 1-based): chr5:112,821,991, G>C. VCF-style: chr5-112821991-G-C. GRCh37 (hg19) VCF-style: chr5-112157688-G-C.
Other names: c.1408G>C, p.Gly470Arg (NM_001127510.3, NM_001354895.2, NM_001354896.2 and 4 more transcripts); c.1354G>C, p.Gly452Arg (NM_001127511.3); c.1438G>C, p.Gly480Arg (NM_001354897.2, NM_001407446.1); c.1333G>C, p.Gly445Arg (NM_001354898.2, NM_001407451.1); c.1324G>C, p.Gly442Arg (NM_001354899.2, NM_001407452.1); c.1231G>C, p.Gly411Arg (NM_001354900.2, NM_001354901.2, NM_001407453.1); c.1135G>C, p.Gly379Arg (NM_001354902.2); c.1105G>C, p.Gly369Arg (NM_001354903.2, NM_001407454.1, NM_001407455.1 and 5 more transcripts); and 5 more; short protein forms G86R, G187R, G310R, G341R, G445R, G470R, G480R, G442R.
Identifiers: ClinVar variation 3409257 (VCV003409257.1).